The following is an entry in ClinVar:

ClinVar aggregate classification (germline): Uncertain significance. Review status: criteria provided, multiple submitters, no conflicts (2 of 4 stars). 3 submissions from 3 submitters: Uncertain significance (3). Last evaluated 2023-11-20.

Conditions:
Inborn genetic diseases. Identifiers: MedGen C0950123, MeSH D030342.

Allele frequency attached by ClinVar (database versions not stated): ExAC 0.00001; gnomAD exomes 0.00002; gnomAD 0.00003; TOPMed 0.00005.
gnomAD v4.1: 17 of 1,612,416 alleles (0.0011%); highest among the groups gnomAD compares: Admixed American, 0.029%; no homozygotes.

Submissions (3):

Ambry Genetics
Classification: Uncertain significance for Inborn genetic diseases. Last evaluated: 2023-11-20. Review status: criteria provided, single submitter. Criteria: Ambry Variant Classification Scheme 2023. Collection method: clinical testing. Allele origin: germline.

Labcorp Genetics (formerly Invitae), Labcorp
Classification: Uncertain significance. Last evaluated: 2023-08-10. Review status: criteria provided, single submitter. Criteria: Invitae Variant Classification Sherloc (09022015). Collection method: clinical testing. Allele origin: germline.
Comment: This sequence change replaces isoleucine, which is neutral and non-polar, with valine, which is neutral and non-polar, at codon 1946 of the VPS13D protein (p.Ile1946Val). In summary, the available evidence is currently insufficient to determine the role of this variant in disease. Therefore, it has been classified as a Variant of Uncertain Significance. Advanced modeling of protein sequence and biophysical properties (such as structural, functional, and spatial information, amino acid conservation, physicochemical variation, residue mobility, and thermodynamic stability) performed at Invitae indicates that this missense variant is not expected to disrupt VPS13D protein function. ClinVar contains an entry for this variant (Variation ID: 2182549). This variant has not been reported in the literature in individuals affected with VPS13D-related conditions. This variant is present in population databases (rs775903755, gnomAD 0.02%).

Breakthrough Genomics
Classification: Uncertain significance. Review status: criteria provided, single submitter. Criteria: ACMG Guidelines, 2015. Collection method: not provided. Allele origin: germline. Inheritance: Autosomal recessive inheritance. Affected: yes.

NM_015378.4(VPS13D):c.5836A>G (p.Ile1946Val)

Gene: VPS13D (vacuolar protein sorting 13 homolog D; plus strand). Cytogenetic location: 1p36.22.
Variant type: single nucleotide variant.
Coding change: c.5836A>G on transcript NM_015378.4 (MANE Select); coding-DNA position 5836, A replaced by G.
Protein change: p.Ile1946Val; replaces isoleucine 1946 with valine.
Molecular consequence: missense variant.
Genome position (GRCh38, 1-based): chr1:12,291,108, A>G. VCF-style: chr1-12291108-A-G. GRCh37 (hg19) VCF-style: chr1-12351165-A-G.
Other names: c.5836A>G, p.Ile1946Val (NM_018156.4); c.5836A>G (NM_015378.2); short protein forms I1946V.
Identifiers: ClinVar variation 2182549 (VCV002182549.4), dbSNP rs775903755, ClinGen allele CA602430.